The following is an entry in ClinVar:

ClinVar aggregate classification (germline): Conflicting classifications of pathogenicity. Review status: criteria provided, conflicting classifications (1 of 4 stars). 2 submissions from 2 submitters: Uncertain significance (1); Likely benign (1). Last evaluated 2025-01-06.

Conditions:
Inborn genetic diseases. Identifiers: MedGen C0950123, MeSH D030342.

gnomAD v4.1: 1 of 1,613,596 alleles (0.000062%); highest among the groups gnomAD compares: Non-Finnish European, 0.000085%; no homozygotes.

Submissions (2):

Ambry Genetics
Classification: Uncertain significance for Inborn genetic diseases. Last evaluated: 2025-01-06. Review status: criteria provided, single submitter. Criteria: Ambry Variant Classification Scheme 2023. Collection method: clinical testing. Allele origin: germline.
Comment: The p.G1021R variant (also known as c.3061G>C), located in coding exon 14 of the MECOM gene, results from a G to C substitution at nucleotide position 3061. The glycine at codon 1021 is replaced by arginine, an amino acid with dissimilar properties. This amino acid position is conserved. In addition, this alteration is predicted to be tolerated by in silico analysis. Based on the available evidence, the clinical significance of this variant remains unclear.

Blueprint Genetics
Classification: Likely benign. Last evaluated: 2021-02-05. Review status: criteria provided, single submitter. Criteria: ACMG Guidelines, 2015. Collection method: clinical testing. Allele origin: germline.

NM_004991.4(MECOM):c.3061G>C (p.Gly1021Arg)

Gene: MECOM (MDS1 and EVI1 complex locus; minus strand). Cytogenetic location: 3q26.2.
Variant type: single nucleotide variant.
Coding change: c.3061G>C on transcript NM_004991.4 (MANE Select); coding-DNA position 3061, G replaced by C.
Protein change: p.Gly1021Arg; replaces glycine 1021 with arginine.
Molecular consequence: missense variant.
Genome position (GRCh38, 1-based): chr3:169,093,061, C>G on the plus strand (G>C on the coding strand, the complement: MECOM is on the minus strand). VCF-style: chr3-169093061-C-G. GRCh37 (hg19) VCF-style: chr3-168810849-C-G.
Other names: c.2692G>C, p.Gly898Arg (NM_001105077.4); c.2497G>C, p.Gly833Arg (NM_001105078.4, NM_001205194.2, NM_001366469.2 and 1 more transcripts); c.2473G>C, p.Gly825Arg (NM_001163999.2, NM_001366470.2); c.2470G>C, p.Gly824Arg (NM_001164000.2, NM_001366471.2, NM_001366472.2); c.3034G>C, p.Gly1012Arg (NM_001366466.2); c.2500G>C, p.Gly834Arg (NM_001366467.2, NM_001366468.2); c.2062G>C, p.Gly688Arg (NM_001366473.2); c.1498G>C, p.Gly500Arg (NM_001366474.2); short protein forms G834R, G824R, G825R, G898R, G1012R, G500R, G688R, G1021R.
Identifiers: ClinVar variation 3871677 (VCV003871677.2).